The following is an entry in ClinVar:

ClinVar aggregate classification (germline): Uncertain significance (1 of 4 stars; one submission).

Allele frequency attached by ClinVar (database versions not stated): gnomAD exomes below 0.00001 and 0.00001; TOPMed below 0.00001; ExAC 0.00001.
gnomAD v4.1: 11 of 1,614,036 alleles (0.00068%); highest among the groups gnomAD compares: Middle Eastern, 0.016%; no homozygotes.

Submission:

GeneDx
Classification: Uncertain significance. Last evaluated: 2019-03-29. Review status: criteria provided, single submitter. Criteria: GeneDx Variant Classification Process June 2021. Collection method: clinical testing. Allele origin: germline. Affected: yes.
Comment: Not observed in large population cohorts (Lek et al., 2016); In silico analysis, which includes protein predictors and evolutionary conservation, supports a deleterious effect; Has not been previously published as pathogenic or benign to our knowledge

NM_018060.4(IARS2):c.2441C>A (p.Pro814His)

Gene: IARS2 (isoleucyl-tRNA synthetase 2, mitochondrial; plus strand). Cytogenetic location: 1q41.
Variant type: single nucleotide variant.
Coding change: c.2441C>A on transcript NM_018060.4 (MANE Select); coding-DNA position 2441, C replaced by A.
Protein change: p.Pro814His; replaces proline 814 with histidine.
Molecular consequence: missense variant.
Genome position (GRCh38, 1-based): chr1:220,141,829, C>A. VCF-style: chr1-220141829-C-A. GRCh37 (hg19) VCF-style: chr1-220315171-C-A.
Other names: short protein forms P814H.
Identifiers: ClinVar variation 1308378 (VCV001308378.2), dbSNP rs750326380, ClinGen allele CA1401777.